The following is an entry in ClinVar:

ClinVar aggregate classification (germline): Uncertain significance (1 of 4 stars; one submission).

Conditions:
Familial acute necrotizing encephalopathy (IIAE3). Also called: ENCEPHALOPATHY, ACUTE, INFECTION-INDUCED, SUSCEPTIBILITY TO, 3; Susceptibility to Acute Necrotizing Encephalopathy 1. Identifiers: Orphanet 88619, MedGen C2675556, MONDO:0011953, OMIM 608033.

Allele frequency attached by ClinVar (database versions not stated): gnomAD exomes below 0.00001; ExAC 0.00001; gnomAD 0.00002; TOPMed 0.00002; ESP Exome Variant Server 0.00008.
gnomAD v4.1: 6 of 1,611,926 alleles (0.00037%); highest among the groups gnomAD compares: Middle Eastern, 0.022%; no homozygotes.

Submission:

Labcorp Genetics (formerly Invitae), Labcorp
Classification: Uncertain significance for Familial acute necrotizing encephalopathy. Last evaluated: 2021-09-02. Review status: criteria provided, single submitter. Criteria: Invitae Variant Classification Sherloc (09022015). Collection method: clinical testing. Allele origin: germline.
Comment: This sequence change replaces asparagine with serine at codon 378 of the RANBP2 protein (p.Asn378Ser). The asparagine residue is highly conserved and there is a small physicochemical difference between asparagine and serine. This variant is present in population databases (rs370375563, ExAC 0.001%). This variant has not been reported in the literature in individuals affected with RANBP2-related conditions. Algorithms developed to predict the effect of missense changes on protein structure and function are either unavailable or do not agree on the potential impact of this missense change (SIFT: "Deleterious"; PolyPhen-2: "Benign"; Align-GVGD: "Class C45"). Algorithms developed to predict the effect of sequence changes on RNA splicing suggest that this variant may create or strengthen a splice site. In summary, the available evidence is currently insufficient to determine the role of this variant in disease. Therefore, it has been classified as a Variant of Uncertain Significance.

NM_006267.5(RANBP2):c.1133A>G (p.Asn378Ser)

Gene: RANBP2 (RAN binding protein 2; plus strand). Cytogenetic location: 2q13.
Variant type: single nucleotide variant.
Coding change: c.1133A>G on transcript NM_006267.5 (MANE Select); coding-DNA position 1133, A replaced by G.
Protein change: p.Asn378Ser; replaces asparagine 378 with serine.
Molecular consequence: missense variant.
Genome position (GRCh38, 1-based): chr2:108,748,989, A>G. VCF-style: chr2-108748989-A-G. GRCh37 (hg19) VCF-style: chr2-109365445-A-G.
Other names: short protein forms N378S.
Identifiers: ClinVar variation 838867 (VCV000838867.4), dbSNP rs370375563, ClinGen allele CA1822233.